The following is an entry in ClinVar:

ClinVar aggregate classification (germline): Uncertain significance (1 of 4 stars; one submission).

Conditions:
Nemaline myopathy 2 (NEM2). Also called: Nemaline myopathy 2, autosomal recessive. Identifiers: MedGen C1850569, MONDO:0009725, OMIM 256030.

Allele frequency attached by ClinVar (database versions not stated): gnomAD exomes below 0.00001.
gnomAD v4.1: 1 of 1,580,292 alleles (0.000063%); highest among the groups gnomAD compares: Non-Finnish European, 0.000086%; no homozygotes.

Submission:

Labcorp Genetics (formerly Invitae), Labcorp
Classification: Uncertain significance for Nemaline myopathy 2. Last evaluated: 2022-05-15. Review status: criteria provided, single submitter. Criteria: Invitae Variant Classification Sherloc (09022015). Collection method: clinical testing. Allele origin: germline.
Comment: This sequence change affects codon 7350 of the NEB mRNA. It is a 'silent' change, meaning that it does not change the encoded amino acid sequence of the NEB protein. It affects a nucleotide within the consensus splice site. This variant is not present in population databases (gnomAD no frequency). This variant has not been reported in the literature in individuals affected with NEB-related conditions. Algorithms developed to predict the effect of sequence changes on RNA splicing suggest that this variant is not likely to affect RNA splicing. In summary, the available evidence is currently insufficient to determine the role of this variant in disease. Therefore, it has been classified as a Variant of Uncertain Significance.

NM_001164508.2(NEB):c.21945T>C (p.Asp7315=)

Genes: NEB (nebulin; minus strand), RIF1 (replication timing regulatory factor 1; plus strand). Cytogenetic location: 2q23.3.
Variant type: single nucleotide variant.
Coding change: c.21945T>C on transcript NM_001164508.2 (MANE Select); coding-DNA position 21945, T replaced by C.
Protein change: p.Asp7315=; no amino-acid change (aspartic acid 7315 retained).
Molecular consequence: synonymous variant.
Genome position (GRCh38, 1-based): chr2:151,526,918, A>G on the plus strand (T>C on the coding strand, the complement: NEB is on the minus strand). VCF-style: chr2-151526918-A-G. GRCh37 (hg19) VCF-style: chr2-152383432-A-G.
Other names: c.21945T>C, p.Asp7315= (NM_001164507.2); c.22050T>C, p.Asp7350= (NM_001271208.2); c.16842T>C, p.Asp5614= (NM_004543.5).
Identifiers: ClinVar variation 2054844 (VCV002054844.1), dbSNP rs2552123884, ClinGen allele CA429227519.